The following is an entry in ClinVar:

NM_005228.5(EGFR):c.2629C>A (p.Pro877Thr)

Gene: EGFR (epidermal growth factor receptor; plus strand). Cytogenetic location: 7p11.2.
Variant type: single nucleotide variant.
Coding change: c.2629C>A on transcript NM_005228.5 (MANE Select); coding-DNA position 2629, C replaced by A.
Protein change: p.Pro877Thr; replaces proline 877 with threonine.
Molecular consequence: missense variant.
Genome position (GRCh38, 1-based): chr7:55,192,769, C>A. VCF-style: chr7-55192769-C-A. GRCh37 (hg19) VCF-style: chr7-55260462-C-A.
Other names: c.2494C>A, p.Pro832Thr (NM_001346897.2, NM_001346899.2); c.2629C>A, p.Pro877Thr (NM_001346898.2); c.2470C>A, p.Pro824Thr (NM_001346900.2); c.1828C>A, p.Pro610Thr (NM_001346941.2); short protein forms P832T, P824T, P610T, P877T.
Identifiers: ClinVar variation 1999622 (VCV001999622.4), dbSNP rs1038116801, ClinGen allele CA158934800.
Genomic context (GRCh38, chr7:55,192,769, plus strand): 5'-TTTCCAACAGAGGGAAACTAATAGTTGTCTCACTGCCTCATCTCTCACCATCCCAAGGTG[C>A]CTATCAAGTGGATGGCATTGGAATCAATTTTACACAGAATCTATACCCACCAGAGTGATG-3'
Protein context (NP_005219.2, residues 867-887): KEYHAEGGKV[Pro877Thr]IKWMALESIL

ClinVar aggregate classification (germline): Uncertain significance (1 of 4 stars; one submission).

Conditions:
EGFR-related lung cancer (EGFR). Identifiers: MedGen CN130014.

Submission:

Labcorp Genetics (formerly Invitae), Labcorp
Classification: Uncertain significance for EGFR-related lung cancer. Last evaluated: 2022-05-27. Review status: criteria provided, single submitter. Criteria: Invitae Variant Classification Sherloc (09022015). Collection method: clinical testing. Allele origin: germline.
Comment: This sequence change replaces proline, which is neutral and non-polar, with threonine, which is neutral and polar, at codon 877 of the EGFR protein (p.Pro877Thr). This variant is not present in population databases (gnomAD no frequency). This variant has not been reported in the literature in individuals affected with EGFR-related conditions. Algorithms developed to predict the effect of missense changes on protein structure and function are either unavailable or do not agree on the potential impact of this missense change (SIFT: "Deleterious"; PolyPhen-2: "Probably Damaging"; Align-GVGD: "Class C0"). In summary, the available evidence is currently insufficient to determine the role of this variant in disease. Therefore, it has been classified as a Variant of Uncertain Significance.